The following is an entry in ClinVar:

NM_007294.4(BRCA1):c.1779_1785del (p.Met594fs)

Gene: BRCA1 (BRCA1 DNA repair associated; minus strand). Cytogenetic location: 17q21.31.
Variant type: Deletion.
Coding change: c.1779_1785del on transcript NM_007294.4 (MANE Select); coding-DNA positions 1779 to 1785, 7 bases deleted (TATGGAA; older notation c.1779_1785delTATGGAA).
Protein change: p.Met594fs; shifts the reading frame from methionine 594.
Molecular consequence: frameshift variant. On other transcripts: intron variant (137).
Genome position (GRCh38, 1-based): chr17:43,093,746-43,093,752, TTCCATA deleted on the plus strand (TATGGAA on the coding strand, the reverse complement: BRCA1 is on the minus strand); deleting any 7 consecutive bases within chr17:43,093,746-43,093,754 gives the same sequence; the c. name uses the placement nearest the transcript's 3' end. VCF-style (leftmost placement, unchanged base first): chr17-43093745-GTTCCATA-G. GRCh37 (hg19) VCF-style: chr17-41245762-GTTCCATA-G.
Other names: 1898delTATGGAA-ter596; c.1656_1662del, p.Met553fs (NM_001407667.1, NM_001407668.1, NM_001407669.1 and 19 more transcripts); c.1653_1659del, p.Met552fs (NM_001407670.1, NM_001407671.1, NM_001407672.1 and 11 more transcripts); c.1779_1785del, p.Met594fs (NM_001407684.1, NM_001407854.1, NM_001407858.1 and 30 more transcripts); c.1638_1644del, p.Met547fs (NM_001407692.1, NM_001407694.1, NM_001407695.1 and 29 more transcripts); c.1635_1641del, p.Met546fs (NM_001407740.1, NM_001407741.1, NM_001407742.1 and 20 more transcripts); c.1566_1572del, p.Met523fs (NM_001407853.1, NM_001407894.1, NM_001407895.1 and 9 more transcripts); c.1776_1782del, p.Met593fs (NM_001407860.1, NM_001407861.1, NM_001407587.1 and 22 more transcripts); and 42 more; short protein forms M594fs, M547fs, M483fs, M524fs, M526fs, M467fs, M482fs, M523fs.
Identifiers: ClinVar variation 266187 (VCV000266187.7), dbSNP rs886039967, ClinGen allele CA10589920.
Genomic context (GRCh38, chr17:43,093,745, plus strand): 5'-AAGACTTCCTCCTCAGCCTATTCTTTTTAGGTGCTTTTGAATTGTGGATATTTAATTCGA[GTTCCATA>G]TTGCTTATACTGCTGCTTATAGGTTCAGCTTTCGTTTTGAAAGCAGATTCTTTTTCGAGT-3'

ClinVar aggregate classification (germline): Pathogenic. Review status: reviewed by expert panel (3 of 4 stars). 3 submissions from 3 submitters: Pathogenic (1). 2 of the submissions do not count toward it. Last evaluated 2016-10-18.

Conditions:
Inherited ovarian cancer (without breast cancer).
Breast-ovarian cancer, familial, susceptibility to, 1 (BROVCA1). Also called: BRCA1 Hereditary Breast and Ovarian Cancer; OVARIAN CANCER, SUSCEPTIBILITY TO. Identifiers: Orphanet 145, MedGen C2676676, MONDO:0011450, OMIM 604370. Disease mechanism: loss of function.

Submissions (3):

Evidence-based Network for the Interpretation of Germline Mutant Alleles (ENIGMA)
Classification: Pathogenic for Breast-ovarian cancer, familial, susceptibility to, 1. Last evaluated: 2016-10-18. Review status: reviewed by expert panel. Criteria: ENIGMA BRCA1/2 Classification Criteria (2015). Collection method: curation. Allele origin: germline.
Comment: Variant allele predicted to encode a truncated non-functional protein.

Genetics Laboratory, Great Ormond Street Hospital NHS Foundation Trust, North Thames Genomic Laboratory Hub
Classification: Pathogenic for Inherited ovarian cancer (without breast cancer). Last evaluated: 2026-02-03. Review status: criteria provided, single submitter. Criteria: CanVIG BRCA Gene Specific V1.22. Collection method: clinical testing. Allele origin: germline. Affected: yes. Not counted in ClinVar's aggregate classification.
Comment: PM2_moderate, PVS1_very-strong, PM5_strong

Consortium of Investigators of Modifiers of BRCA1/2 (CIMBA), c/o University of Cambridge
Classification: Pathogenic for Breast-ovarian cancer, familial, susceptibility to, 1. Last evaluated: 2015-10-02. Review status: criteria provided, single submitter. Criteria: CIMBA Mutation Classification guidelines May 2016. Collection method: clinical testing. Allele origin: germline. Not counted in ClinVar's aggregate classification.